The following is an entry in ClinVar:

NM_017672.6(TRPM7):c.4864G>C (p.Gly1622Arg)

Gene: TRPM7 (transient receptor potential cation channel subfamily M member 7; minus strand). Cytogenetic location: 15q21.2.
Variant type: single nucleotide variant.
Coding change: c.4864G>C on transcript NM_017672.6 (MANE Select); coding-DNA position 4864, G replaced by C.
Protein change: p.Gly1622Arg; replaces glycine 1622 with arginine.
Molecular consequence: missense variant. On other transcripts: non-coding transcript variant (3).
Genome position (GRCh38, 1-based): chr15:50,575,007, C>G on the plus strand (G>C on the coding strand, the complement: TRPM7 is on the minus strand). VCF-style: chr15-50575007-C-G. GRCh37 (hg19) VCF-style: chr15-50867204-C-G.
Other names: c.4861G>C, p.Gly1621Arg (NM_001301212.2); short protein forms G1621R, G1622R.
Identifiers: ClinVar variation 4686932 (VCV004686932.1).
Genomic context (GRCh38, chr15:50,575,007, plus strand): 5'-CTGATTTGAGGATATCATGTTCTGACCAGGTACACTGTACTTTGACAGCTCTTCGTAAAC[C>G]TCCTCCCATCTCCTCTTTGCTTAAAAACTCTATTTTGGCACAGAGGCCTAGTTGTGACCA-3'
Protein context (NP_060142.3, residues 1612-1632): EFLSKEEMGG[Gly1622Arg]LRRAVKVQCT

ClinVar aggregate classification (germline): Uncertain significance (1 of 4 stars; one submission).

Submission:

GeneDx
Classification: Uncertain significance. Last evaluated: 2025-07-20. Review status: criteria provided, single submitter. Criteria: GeneDx Variant Classification Process June 2021. Collection method: clinical testing. Allele origin: germline. Affected: yes.
Comment: Not observed at significant frequency in large population cohorts (gnomAD); In silico analysis supports that this missense variant has a deleterious effect on protein structure/function; Has not been previously published as pathogenic or benign to our knowledge